The following is an entry in ClinVar:

ClinVar aggregate classification (germline): Pathogenic. Review status: criteria provided, multiple submitters, no conflicts (2 of 4 stars). 2 submissions from 2 submitters: Pathogenic (2). Last evaluated 2020-03-02.

Conditions:
Breast-ovarian cancer, familial, susceptibility to, 2 (BROVCA2). Also called: BRCA2 Hereditary Breast and Ovarian Cancer. Identifiers: Orphanet 145, MedGen C2675520, MONDO:0012933, OMIM 612555. Disease mechanism: loss of function.
Hereditary cancer-predisposing syndrome. Also called: Hereditary neoplastic syndrome; Neoplastic Syndromes, Hereditary; Tumor predisposition; Hereditary Cancer Syndrome. Identifiers: Orphanet 140162, MedGen C0027672, MeSH D009386, MONDO:0015356.

Submissions (2):

Ambry Genetics
Classification: Pathogenic for Hereditary cancer-predisposing syndrome. Last evaluated: 2020-03-02. Review status: criteria provided, single submitter. Criteria: Ambry Variant Classification Scheme 2023. Collection method: clinical testing. Allele origin: germline.
Comment: The c.9257-2_9261dupAGGACTT pathogenic mutation, located in coding exon 24 of the BRCA2 gene, results from a duplication of 7 nucleotides at nucleotide positions 9261 to 9262, causing a translational frameshift with a predicted alternate stop codon (p.A3088Rfs*25). The insertion of 7 nucleotides is also confirmed in the transcribed mRNA (Ambry internal data). This alteration is expected to result in loss of function by premature protein truncation or nonsense-mediated mRNA decay. As such, this alteration is interpreted as a disease-causing mutation.

Consortium of Investigators of Modifiers of BRCA1/2 (CIMBA), c/o University of Cambridge
Classification: Pathogenic for Breast-ovarian cancer, familial, susceptibility to, 2. Last evaluated: 2015-10-02. Review status: criteria provided, single submitter. Criteria: CIMBA Mutation Classification guidelines May 2016. Collection method: clinical testing. Allele origin: germline.

NM_000059.4(BRCA2):c.9257-2_9261dup

Gene: BRCA2 (BRCA2 DNA repair associated; plus strand). Cytogenetic location: 13q13.1.
Variant type: Duplication.
Coding change: c.9257-2_9261dup on transcript NM_000059.4 (MANE Select); the canonical splice acceptor site of the intron before coding-DNA position 9257 through coding-DNA position 9261, 7 bases duplicated (AGGACTT; older notation c.9257-2_9261dupAGGACTT).
Molecular consequence: splice acceptor variant.
Genome position (GRCh38, 1-based): chr13:32,394,687-32,394,693, AGGACTT duplicated; duplicating any 7 consecutive bases within chr13:32,394,686-32,394,693 gives the same sequence; the c. name uses the placement nearest the transcript's 3' end. VCF-style (leftmost placement, unchanged base first): chr13-32394685-C-CTAGGACT. GRCh37 (hg19) VCF-style: chr13-32968822-C-CTAGGACT.
Other names: c.9257-2_9261dupAGGACTT (NM_000059.3).
Identifiers: ClinVar variation 267721 (VCV000267721.5), dbSNP rs886040953, ClinGen allele CA10602566.